The following is an entry in ClinVar:

ClinVar aggregate classification (germline): Uncertain significance (1 of 4 stars; one submission).

gnomAD v4.1: 2 of 1,549,978 alleles (0.00013%); highest among the groups gnomAD compares: Non-Finnish European, 0.000087%; no homozygotes.

Submission:

Labcorp Genetics (formerly Invitae), Labcorp
Classification: Uncertain significance. Last evaluated: 2025-11-27. Review status: criteria provided, single submitter. Criteria: Invitae Variant Classification Sherloc (09022015). Collection method: clinical testing. Allele origin: germline.
Comment: This sequence change replaces proline, which is neutral and non-polar, with serine, which is neutral and polar, at codon 11 of the NUP133 protein (p.Pro11Ser). This variant is not present in population databases (gnomAD no frequency). This variant has not been reported in the literature in individuals affected with NUP133-related conditions. An algorithm developed to predict the effect of missense changes on protein structure and function (PolyPhen-2) suggests that this variant is likely to be disruptive. In summary, the available evidence is currently insufficient to determine the role of this variant in disease. Therefore, it has been classified as a Variant of Uncertain Significance.

NM_018230.3(NUP133):c.31C>T (p.Pro11Ser)

Genes: NUP133 (nucleoporin 133; minus strand), LOC129932732 (ATAC-STARR-seq lymphoblastoid silent region 1931; plus strand). Cytogenetic location: 1q42.13.
Variant type: single nucleotide variant.
Coding change: c.31C>T on transcript NM_018230.3 (MANE Select); coding-DNA position 31, C replaced by T.
Protein change: p.Pro11Ser; replaces proline 11 with serine.
Molecular consequence: missense variant.
Genome position (GRCh38, 1-based): chr1:229,508,219, G>A on the plus strand (C>T on the coding strand, the complement: NUP133 is on the minus strand). VCF-style: chr1-229508219-G-A. GRCh37 (hg19) VCF-style: chr1-229643966-G-A.
Other names: short protein forms P11S.
Identifiers: ClinVar variation 4781405 (VCV004781405.1).
Genomic context (GRCh38, chr1:229,508,219, plus strand): 5'-TCCGGGGCGTGGAGCCGGGCCCGAGTCCGGCCAGCGGGCCCCTTCGGGACCCGGTACCCG[G>A]GGTCCGCGGAGAAGGGGCGGCTGGGAACATGACTCCAAGGAGCAGCGACTAGGACAGCGA-3'
Protein context (NP_060700.2, residues 1-21): MFPAAPSPRT[Pro11Ser]GTGSRRGPLA